The following is an entry in ClinVar:

ClinVar aggregate classification (germline): Uncertain significance (1 of 4 stars; one submission).

Conditions:
Acyl-CoA oxidase deficiency. Also called: Peroxisomal acyl-CoA oxidase deficiency; STRAIGHT-CHAIN ACYL-CoA OXIDASE DEFICIENCY; Pseudoneonatal adrenoleukodystrophy. Identifiers: Orphanet 2971, MedGen C1849678, MONDO:0009919, OMIM 264470. Disease mechanism: loss of function.

Allele frequency attached by ClinVar (database versions not stated): gnomAD 0.00001.
gnomAD v4.1: 1 of 1,614,044 alleles (0.000062%); highest among the groups gnomAD compares: African/African-American, 0.0013%; no homozygotes.

Submission:

Labcorp Genetics (formerly Invitae), Labcorp
Classification: Uncertain significance for Acyl-CoA oxidase deficiency. Last evaluated: 2022-06-27. Review status: criteria provided, single submitter. Criteria: Invitae Variant Classification Sherloc (09022015). Collection method: clinical testing. Allele origin: germline.
Comment: This variant has not been reported in the literature in individuals affected with ACOX1-related conditions. This sequence change replaces valine, which is neutral and non-polar, with methionine, which is neutral and non-polar, at codon 506 of the ACOX1 protein (p.Val506Met). This variant is not present in population databases (gnomAD no frequency). Algorithms developed to predict the effect of missense changes on protein structure and function output the following: SIFT: "Tolerated"; PolyPhen-2: "Benign"; Align-GVGD: "Class C0". The methionine amino acid residue is found in multiple mammalian species, which suggests that this missense change does not adversely affect protein function. In summary, the available evidence is currently insufficient to determine the role of this variant in disease. Therefore, it has been classified as a Variant of Uncertain Significance.

NM_004035.7(ACOX1):c.1516G>A (p.Val506Met)

Gene: ACOX1 (acyl-CoA oxidase 1; minus strand). Cytogenetic location: 17q25.1.
Variant type: single nucleotide variant.
Coding change: c.1516G>A on transcript NM_004035.7 (MANE Select); coding-DNA position 1516, G replaced by A.
Protein change: p.Val506Met; replaces valine 506 with methionine.
Molecular consequence: missense variant.
Genome position (GRCh38, 1-based): chr17:75,949,563, C>T on the plus strand (G>A on the coding strand, the complement: ACOX1 is on the minus strand). VCF-style: chr17-75949563-C-T. GRCh37 (hg19) VCF-style: chr17-73945644-C-T.
Other names: c.1402G>A, p.Val468Met (NM_001185039.2); c.1516G>A, p.Val506Met (NM_007292.6); short protein forms V506M, V468M.
Identifiers: ClinVar variation 1472446 (VCV001472446.6), dbSNP rs2065754574, ClinGen allele CA401060473.